The following is an entry in ClinVar:

NM_000138.5(FBN1):c.4748-77T>G

Gene: FBN1 (fibrillin 1; minus strand). Cytogenetic location: 15q21.1.
Variant type: single nucleotide variant.
Coding change: c.4748-77T>G on transcript NM_000138.5 (MANE Select); 77 bases into the intron before coding-DNA position 4748, T replaced by G.
Molecular consequence: intron variant.
Genome position (GRCh38, 1-based): chr15:48,465,935, A>C on the plus strand (T>G on the coding strand, the complement: FBN1 is on the minus strand). VCF-style: chr15-48465935-A-C. GRCh37 (hg19) VCF-style: chr15-48758132-A-C.
Identifiers: ClinVar variation 1237499 (VCV001237499.6), dbSNP rs55694948, ClinGen allele CA14131405.

ClinVar aggregate classification (germline): Benign. Review status: criteria provided, multiple submitters, no conflicts (2 of 4 stars). 3 submissions from 3 submitters: Benign (3). Last evaluated 2024-01-24.

Allele frequency attached by ClinVar (database versions not stated): gnomAD exomes 0.15437; 1000 Genomes Project 30x 0.20503; 1000 Genomes Project 0.20727.
gnomAD v4.1: 150,165 of 941,574 alleles (16%); highest among the groups gnomAD compares: African/African-American, 25%; 12,622 homozygotes.

Submissions (3):

Unidad de Genómica Garrahan, Hospital de Pediatría Garrahan
Classification: Benign. Last evaluated: 2024-01-24. Review status: criteria provided, single submitter. Criteria: ACMG Guidelines, 2015. Collection method: clinical testing. Allele origin: germline. Affected: no. Observed: 22 variant alleles.
Comment: This variant is classified as Benign based on local population frequency. This variant was detected in 25% of patients studied by a panel of primary immunodeficiencies. Number of patients: 22. Only high quality variants are reported.

GeneDx
Classification: Benign. Last evaluated: 2015-03-03. Review status: criteria provided, single submitter. Criteria: GeneDx Variant Classification Process June 2021. Collection method: clinical testing. Allele origin: germline. Affected: yes.

Breakthrough Genomics
Classification: Benign. Review status: criteria provided, single submitter. Criteria: ACMG Guidelines, 2015. Collection method: not provided. Allele origin: germline. Inheritance: Autosomal dominant inheritance. Affected: yes.